The following is an entry in ClinVar:

NM_000551.4(VHL):c.285G>T (p.Pro95=)

Gene: VHL (von Hippel-Lindau tumor suppressor; plus strand). Cytogenetic location: 3p25.3.
Variant type: single nucleotide variant.
Coding change: c.285G>T on transcript NM_000551.4 (MANE Select); coding-DNA position 285, G replaced by T.
Protein change: p.Pro95=; no amino-acid change (proline 95 retained).
Molecular consequence: synonymous variant.
Genome position (GRCh38, 1-based): chr3:10,142,132, G>T. VCF-style: chr3-10142132-G-T. GRCh37 (hg19) VCF-style: chr3-10183816-G-T.
Other names: c.285G>T, p.Pro95= (NM_001354723.2, NM_198156.3).
Identifiers: ClinVar variation 508213 (VCV000508213.17), dbSNP rs975432073, ClinGen allele CA70046206.

ClinVar aggregate classification (germline): Benign/Likely benign. Review status: criteria provided, multiple submitters, no conflicts (2 of 4 stars). 4 submissions from 4 submitters: Benign (1); Likely benign (3). Last evaluated 2025-07-09.

Conditions:
Hereditary cancer-predisposing syndrome. Also called: Hereditary Cancer Syndrome; Tumor predisposition; Neoplastic Syndromes, Hereditary; Hereditary neoplastic syndrome. Identifiers: Orphanet 140162, MedGen C0027672, MeSH D009386, MONDO:0015356.
Chuvash polycythemia. Also called: POLYCYTHEMIA, VHL-DEPENDENT. Identifiers: Orphanet 238557, MedGen C1837915, MONDO:0009892, OMIM 263400.
Von Hippel-Lindau syndrome (VHLS). Also called: Von Hippel-Lindau; von Hippel–Lindau syndrome; VHL syndrome. Identifiers: Orphanet 892, MedGen C0019562, MONDO:0008667, OMIM 193300. Disease mechanism: loss of function.

Allele frequency attached by ClinVar (database versions not stated): gnomAD 0.00001.

Submissions (4):

Labcorp Genetics (formerly Invitae), Labcorp
Classification: Likely benign for Von Hippel-Lindau syndrome; Chuvash polycythemia. Last evaluated: 2025-07-09. Review status: criteria provided, single submitter. Criteria: Invitae Variant Classification Sherloc (09022015). Collection method: clinical testing. Allele origin: germline.

Myriad Genetics, Inc.
Classification: Benign for Von Hippel-Lindau syndrome. Last evaluated: 2025-06-10. Review status: criteria provided, single submitter. Criteria: Myriad Autosomal Dominant, Autosomal Recessive and X-Linked Classification Criteria (2023). Collection method: clinical testing. Allele origin: unknown.
Comment: This variant is considered benign. This variant is a silent/synonymous amino acid change and it is not expected to impact splicing.

Ambry Genetics
Classification: Likely benign for Hereditary cancer-predisposing syndrome. Last evaluated: 2019-02-15. Review status: criteria provided, single submitter. Criteria: Ambry Variant Classification Scheme 2023. Collection method: clinical testing. Allele origin: germline.

GeneDx
Classification: Likely benign. Last evaluated: 2017-03-15. Review status: criteria provided, single submitter. Criteria: GeneDx Variant Classification (06012015). Collection method: clinical testing. Allele origin: germline. Affected: yes.
Comment: This variant is considered likely benign or benign based on one or more of the following criteria: it is a conservative change, it occurs at a poorly conserved position in the protein, it is predicted to be benign by multiple in silico algorithms, and/or has population frequency not consistent with disease.